The following is an entry in ClinVar:

NM_000059.4(BRCA2):c.9094A>G (p.Lys3032Glu)

Gene: BRCA2 (BRCA2 DNA repair associated; plus strand). Cytogenetic location: 13q13.1.
Variant type: single nucleotide variant.
Coding change: c.9094A>G on transcript NM_000059.4 (MANE Select); coding-DNA position 9094, A replaced by G.
Protein change: p.Lys3032Glu; replaces lysine 3032 with glutamic acid.
Molecular consequence: missense variant.
Genome position (GRCh38, 1-based): chr13:32,379,890, A>G. VCF-style: chr13-32379890-A-G. GRCh37 (hg19) VCF-style: chr13-32954027-A-G.
Other names: short protein forms K3032E.
Identifiers: ClinVar variation 495514 (VCV000495514.1), dbSNP rs1555288501, ClinGen allele CA387757662.

ClinVar aggregate classification (germline): Uncertain significance (1 of 4 stars; one submission).

Submission:

Women's Health and Genetics/Laboratory Corporation of America, LabCorp
Classification: Uncertain significance. Last evaluated: 2017-06-16. Review status: criteria provided, single submitter. Criteria: LabCorp Variant Classification Summary - May 2015. Collection method: clinical testing. Allele origin: germline.
Comment: Variant summary: The c.9094A>G (p.Lys3032Glu) in BRCA2 gene is a missense variant involves a conserved nucleotide and 3/4 in silico tools predict damaging outcome. The variant is absent from the control population datasets of ExAC and gnomAD. To our knowledge, the variant has not been reported in affected individuals via published reports or was cited by reputable databases/clinical laboratories. This variant occurred in cis with BRCA2 c.9097delA (known DV). Taken together, the variant was classified as VUS-Possibly Benign, until new information becomes available.